The following is an entry in ClinVar:

NM_001232.4(CASQ2):c.406G>A (p.Glu136Lys)

Gene: CASQ2 (calsequestrin 2; minus strand). Cytogenetic location: 1p13.1.
Variant type: single nucleotide variant.
Coding change: c.406G>A on transcript NM_001232.4 (MANE Select); coding-DNA position 406, G replaced by A.
Protein change: p.Glu136Lys; replaces glutamic acid 136 with lysine.
Molecular consequence: missense variant.
Genome position (GRCh38, 1-based): chr1:115,740,742, C>T on the plus strand (G>A on the coding strand, the complement: CASQ2 is on the minus strand). VCF-style: chr1-115740742-C-T. GRCh37 (hg19) VCF-style: chr1-116283363-C-T.
Other names: short protein forms E136K.
Identifiers: ClinVar variation 2105826 (VCV002105826.4), dbSNP rs1288753581, ClinGen allele CA341764363.
Genomic context (GRCh38, chr1:115,740,742, plus strand): 5'-TGAGGAGAGGCAGCTCCATGCAGGGTCACTGTGTATAAATACTTACATCCAAGAGGAACT[C>T]CACCAAGACATCAGCTGCAAACTCGCCATCAAACTCTATTGTGCGATCACCCTTAAGAAT-3'
Protein context (NP_001223.2, residues 126-146): DGEFAADVLV[Glu136Lys]FLLDLIEDPV

ClinVar aggregate classification (germline): Uncertain significance (1 of 4 stars; one submission).

Conditions:
Catecholaminergic polymorphic ventricular tachycardia 1. Also called: VENTRICULAR TACHYCARDIA, STRESS-INDUCED POLYMORPHIC 1; RYR2-Related Catecholaminergic Polymorphic Ventricular Tachycardia; VENTRICULAR TACHYCARDIA, CATECHOLAMINERGIC POLYMORPHIC, 1, WITH OR WITHOUT ATRIAL DYSFUNCTION AND/OR DILATED CARDIOMYOPATHY. Identifiers: Orphanet 3286, MedGen C1631597, MONDO:0011484, OMIM 604772.

Allele frequency attached by ClinVar (database versions not stated): gnomAD exomes below 0.00001; TOPMed below 0.00001; gnomAD 0.00001.
gnomAD v4.1: 2 of 1,609,454 alleles (0.00012%); highest among the groups gnomAD compares: African/African-American, 0.0027%; no homozygotes.

Submission:

Labcorp Genetics (formerly Invitae), Labcorp
Classification: Uncertain significance for Catecholaminergic polymorphic ventricular tachycardia 1. Last evaluated: 2022-03-02. Review status: criteria provided, single submitter. Criteria: Invitae Variant Classification Sherloc (09022015). Collection method: clinical testing. Allele origin: germline.
Comment: Algorithms developed to predict the effect of missense changes on protein structure and function are either unavailable or do not agree on the potential impact of this missense change (SIFT: "Tolerated"; PolyPhen-2: "Probably Damaging"; Align-GVGD: "Class C0"). In summary, the available evidence is currently insufficient to determine the role of this variant in disease. Therefore, it has been classified as a Variant of Uncertain Significance. This variant has not been reported in the literature in individuals affected with CASQ2-related conditions. This variant is not present in population databases (gnomAD no frequency). This sequence change replaces glutamic acid, which is acidic and polar, with lysine, which is basic and polar, at codon 136 of the CASQ2 protein (p.Glu136Lys).